The following is an entry in ClinVar:

ClinVar aggregate classification (germline): Likely benign (0 of 4 stars; one submission).

Conditions:
TSHZ3-related disorder. Also called: TSHZ3-related condition.

Allele frequency attached by ClinVar (database versions not stated): gnomAD exomes 0.00031; ExAC 0.00042; ESP Exome Variant Server 0.00049; 1000 Genomes Project 0.00100; 1000 Genomes Project 30x 0.00109; gnomAD 0.00119; TOPMed 0.00158.
gnomAD v4.1: 681 of 1,611,628 alleles (0.042%); highest among the groups gnomAD compares: Middle Eastern, 1.2%; 10 homozygotes.

Submission:

PreventionGenetics, part of Exact Sciences
Classification: Likely benign for TSHZ3-related condition. Last evaluated: 2024-01-03. Review status: no assertion criteria provided. Collection method: clinical testing. Allele origin: germline.
Comment: This variant is classified as likely benign based on ACMG/AMP sequence variant interpretation guidelines (Richards et al. 2015 PMID: 25741868, with internal and published modifications).

NM_020856.4(TSHZ3):c.165C>T (p.Ala55=)

Gene: TSHZ3 (teashirt zinc finger homeobox 3; minus strand). Cytogenetic location: 19q12.
Variant type: single nucleotide variant.
Coding change: c.165C>T on transcript NM_020856.4 (MANE Select); coding-DNA position 165, C replaced by T.
Protein change: p.Ala55=; no amino-acid change (alanine 55 retained).
Molecular consequence: synonymous variant.
Genome position (GRCh38, 1-based): chr19:31,279,628, G>A on the plus strand (C>T on the coding strand, the complement: TSHZ3 is on the minus strand). VCF-style: chr19-31279628-G-A. GRCh37 (hg19) VCF-style: chr19-31770534-G-A.
Identifiers: ClinVar variation 3049417 (VCV003049417.2), dbSNP rs187062441, ClinGen allele CA9354529.